The following is an entry in ClinVar:

NM_001395413.1(POR):c.508-4G>A

Gene: POR (cytochrome p450 oxidoreductase; plus strand). Cytogenetic location: 7q11.23.
Variant type: single nucleotide variant.
Coding change: c.508-4G>A on transcript NM_001395413.1 (MANE Select); 4 bases into the intron before coding-DNA position 508, G replaced by A.
Molecular consequence: intron variant.
Genome position (GRCh38, 1-based): chr7:75,981,044, G>A. VCF-style: chr7-75981044-G-A. GRCh37 (hg19) VCF-style: chr7-75610362-G-A.
Other names: c.508-4G>A (NM_001382662.3, NM_001382659.3, NM_001367562.3 and 2 more transcripts); c.562-4G>A (NM_001382655.3).
Identifiers: ClinVar variation 360701 (VCV000360701.50), dbSNP rs41299496, ClinGen allele CA4303715.

ClinVar aggregate classification (germline): Conflicting classifications of pathogenicity. Review status: criteria provided, conflicting classifications (1 of 4 stars). 7 submissions from 7 submitters: Uncertain significance (1); Benign (3); Likely benign (2). 1 of the submissions does not count toward it. Last evaluated 2026-07-01.

Conditions:
Congenital adrenal hyperplasia due to cytochrome P450 oxidoreductase deficiency. Also called: DISORDERED STEROIDOGENESIS DUE TO POR DEFICIENCY. Identifiers: Orphanet 95699, MedGen C1860042, MONDO:0013310, OMIM 613571.
POR-related disorder. Also called: POR-related condition.

Allele frequency attached by ClinVar (database versions not stated): gnomAD exomes 0.00083 and 0.00156; ESP Exome Variant Server 0.00319; ExAC 0.00333; gnomAD 0.00440 and 0.00462; TOPMed 0.00456; 1000 Genomes Project 30x 0.00656; 1000 Genomes Project 0.00659.
gnomAD v4.1: 1,877 of 1,568,482 alleles (0.12%); highest among the groups gnomAD compares: African/African-American, 1.4%; 1 homozygote.

Submissions (7):

CeGaT Center for Human Genetics Tuebingen
Classification: Likely benign. Last evaluated: 2026-07-01. Review status: criteria provided, single submitter. Criteria: CeGaT Center For Human Genetics Tuebingen Variant Classification Criteria Version 2. Collection method: clinical testing. Allele origin: germline. Affected: yes. Observed: 2 variant alleles.
Comment: POR: BP4, BS1

Labcorp Genetics (formerly Invitae), Labcorp
Classification: Benign for Congenital adrenal hyperplasia due to cytochrome P450 oxidoreductase deficiency. Last evaluated: 2026-02-01. Review status: criteria provided, single submitter. Criteria: Invitae Variant Classification Sherloc (09022015). Collection method: clinical testing. Allele origin: germline.

Blueprint Genetics
Classification: Likely benign. Last evaluated: 2024-11-27. Review status: criteria provided, single submitter. Criteria: ACMG Guidelines, 2015. Collection method: clinical testing. Allele origin: germline.

ARUP Laboratories, Molecular Genetics and Genomics, ARUP Laboratories
Classification: Benign. Last evaluated: 2022-09-13. Review status: criteria provided, single submitter. Criteria: ARUP Molecular Germline Variant Investigation Process 2021. Collection method: clinical testing. Allele origin: germline.

GeneDx
Classification: Benign. Last evaluated: 2019-05-23. Review status: criteria provided, single submitter. Criteria: GeneDx Variant Classification Process June 2021. Collection method: clinical testing. Allele origin: germline. Affected: yes.
Comment: This variant is associated with the following publications: (PMID: 25712184)

Illumina Laboratory Services, Illumina
Classification: Uncertain significance for Congenital adrenal hyperplasia due to cytochrome P450 oxidoreductase deficiency. Last evaluated: 2018-01-12. Review status: criteria provided, single submitter. Criteria: ICSL Variant Classification Criteria 13 December 2019. Collection method: clinical testing. Allele origin: germline.

PreventionGenetics, part of Exact Sciences
Classification: Benign for POR-related condition. Last evaluated: 2019-10-09. Review status: no assertion criteria provided. Collection method: clinical testing. Allele origin: germline. Not counted in ClinVar's aggregate classification.
Comment: This variant is classified as benign based on ACMG/AMP sequence variant interpretation guidelines (Richards et al. 2015 PMID: 25741868, with internal and published modifications).